The following is an entry in ClinVar:

ClinVar aggregate classification (germline): Pathogenic. Review status: criteria provided, multiple submitters, no conflicts (2 of 4 stars). 4 submissions from 4 submitters: Pathogenic (3). 1 of the submissions does not count toward it. Last evaluated 2023-04-11.

Conditions:
Immunodeficiency, common variable, 7. Identifiers: Orphanet 1572, Orphanet 696894, MedGen C3542922, MONDO:0013862, OMIM 614699.

Allele frequency attached by ClinVar (database versions not stated): TOPMed below 0.00001.
gnomAD v4.1: 3 of 1,613,478 alleles (0.00019%); highest among the groups gnomAD compares: Non-Finnish European, 0.00025%; no homozygotes.

Submissions (4):

Genome-Nilou Lab
Classification: Pathogenic for Immunodeficiency, common variable, 7. Last evaluated: 2023-04-11. Review status: criteria provided, single submitter. Criteria: ACMG Guidelines, 2015. Collection method: clinical testing. Allele origin: germline. Affected: no.

Labcorp Genetics (formerly Invitae), Labcorp
Classification: Pathogenic for Immunodeficiency, common variable, 7. Last evaluated: 2022-09-19. Review status: criteria provided, single submitter. Criteria: Invitae Variant Classification Sherloc (09022015). Collection method: clinical testing. Allele origin: germline.
Comment: Algorithms developed to predict the effect of sequence changes on RNA splicing suggest that this variant may disrupt the consensus splice site. For these reasons, this variant has been classified as Pathogenic. Studies have shown that disruption of this splice site alters CR2 gene expression (PMID: 22035880). ClinVar contains an entry for this variant (Variation ID: 35454). Disruption of this splice site has been observed in individual(s) with clinical features of CR2-related conditions (PMID: 22035880). This variant is not present in population databases (gnomAD no frequency). This sequence change affects a donor splice site in intron 6 of the CR2 gene. It is expected to disrupt RNA splicing. Variants that disrupt the donor or acceptor splice site typically lead to a loss of protein function (PMID: 16199547), and loss-of-function variants in CR2 are known to be pathogenic (PMID: 26325596, 28499783).

CeGaT Center for Human Genetics Tuebingen
Classification: Pathogenic. Last evaluated: 2018-09-01. Review status: criteria provided, single submitter. Criteria: CeGaT Center For Human Genetics Tuebingen Variant Classification Criteria Version 2. Collection method: clinical testing. Allele origin: germline. Affected: yes. Observed: 1 variant allele.

OMIM
Classification: Pathogenic for IMMUNODEFICIENCY, COMMON VARIABLE, 7. Last evaluated: 2012-03-01. Review status: no assertion criteria provided. Collection method: literature only. Allele origin: germline. Not counted in ClinVar's aggregate classification.

Literature cited by the submitters: PubMed 22035880 (cited by Labcorp Genetics (formerly Invitae), Labcorp and OMIM); PubMed 16199547 (cited by Labcorp Genetics (formerly Invitae), Labcorp); PubMed 26325596 (cited by Labcorp Genetics (formerly Invitae), Labcorp); PubMed 28499783 (cited by Labcorp Genetics (formerly Invitae), Labcorp).

NM_001006658.3(CR2):c.1225+1G>C

Genes: CR2 (complement C3d receptor 2; plus strand), LOC126805994 (BRD4-independent group 4 enhancer GRCh37_chr1:207642622-207643821; plus strand). Cytogenetic location: 1q32.2.
Variant type: single nucleotide variant.
Coding change: c.1225+1G>C on transcript NM_001006658.3 (MANE Select); the canonical splice donor site of the intron after coding-DNA position 1225, G replaced by C.
Molecular consequence: splice donor variant.
Genome position (GRCh38, 1-based): chr1:207,470,103, G>C. VCF-style: chr1-207470103-G-C. GRCh37 (hg19) VCF-style: chr1-207643448-G-C.
Other names: IVS6DS, G-C, +1; c.1225+1G>C (NM_001877.5).
Identifiers: ClinVar variation 35454 (VCV000035454.51), dbSNP rs398122864, ClinGen allele CA129908.